The following is an entry in ClinVar:

ClinVar aggregate classification (germline): Uncertain significance (1 of 4 stars; one submission).

Submission:

GeneDx
Classification: Uncertain significance. Last evaluated: 2026-01-26. Review status: criteria provided, single submitter. Criteria: GeneDx Variant Classification Process June 2021. Collection method: clinical testing. Allele origin: germline.
Comment: Not observed at significant frequency in large population cohorts (gnomAD); In silico analysis supports that this missense variant has a deleterious effect on protein structure/function; Has not been previously published as pathogenic or benign to our knowledge

NM_006015.6(ARID1A):c.6205G>A (p.Gly2069Arg)

Gene: ARID1A (AT-rich interaction domain 1A; plus strand). Cytogenetic location: 1p36.11.
Variant type: single nucleotide variant.
Coding change: c.6205G>A on transcript NM_006015.6 (MANE Select); coding-DNA position 6205, G replaced by A.
Protein change: p.Gly2069Arg; replaces glycine 2069 with arginine.
Molecular consequence: missense variant.
Genome position (GRCh38, 1-based): chr1:26,780,103, G>A. VCF-style: chr1-26780103-G-A. GRCh37 (hg19) VCF-style: chr1-27106594-G-A.
Other names: c.5554G>A, p.Gly1852Arg (NM_139135.4); short protein forms G1852R, G2069R.
Identifiers: ClinVar variation 4975258 (VCV004975258.1).